The following is an entry in ClinVar:

ClinVar aggregate classification (germline): Uncertain significance (1 of 4 stars; one submission).

Conditions:
MIEF1-related condition.

Submission:

PreventionGenetics, part of Exact Sciences
Classification: Uncertain significance for MIEF1-related condition. Last evaluated: 2026-07-09. Review status: criteria provided, single submitter. Criteria: ACMG Guidelines, 2015. Collection method: clinical testing. Allele origin: germline.
Comment: The MIEF1 c.352delG variant is predicted to result in a frameshift and premature protein termination (p.Val118Trpfs*7). To our knowledge, this variant has not been reported in the literature or in a large population database (gnomAD), indicating this variant is rare. Loss of function is not an established mechanism of MIEF1-related disease. At this time, the clinical significance of this variant is uncertain due to the absence of conclusive functional and genetic evidence.

NM_019008.6(MIEF1):c.352del (p.Val118fs)

Gene: MIEF1 (mitochondrial elongation factor 1; plus strand). Cytogenetic location: 22q13.1.
Variant type: Deletion.
Coding change: c.352del on transcript NM_019008.6 (MANE Select); coding-DNA position 352, one base deleted (G; older notation c.352delG).
Protein change: p.Val118fs; shifts the reading frame from valine 118.
Molecular consequence: frameshift variant.
Genome position (GRCh38, 1-based): chr22:39,512,261, G deleted. VCF-style (leftmost placement, unchanged base first): chr22-39512260-AG-A. GRCh37 (hg19) VCF-style: chr22-39908265-AG-A.
Other names: c.352del, p.Val118fs (NM_001304564.2); short protein forms V118fs.
Identifiers: ClinVar variation 5001743 (VCV005001743.1).